The following is an entry in ClinVar:

ClinVar aggregate classification (germline): Uncertain significance (1 of 4 stars; one submission).

Allele frequency attached by ClinVar (database versions not stated): gnomAD 0.00002 and 0.00003; gnomAD exomes 0.00003 and 0.00008; ExAC 0.00005; TOPMed 0.00005.
gnomAD v4.1: 47 of 1,607,290 alleles (0.0029%); highest among the groups gnomAD compares: Admixed American, 0.022%; no homozygotes.

Submission:

Labcorp Genetics (formerly Invitae), Labcorp
Classification: Uncertain significance. Last evaluated: 2025-11-06. Review status: criteria provided, single submitter. Criteria: Invitae Variant Classification Sherloc (09022015). Collection method: clinical testing. Allele origin: germline.
Comment: This sequence change replaces arginine, which is basic and polar, with glutamine, which is neutral and polar, at codon 495 of the ARHGEF18 protein (p.Arg495Gln). This variant is present in population databases (rs779040030, gnomAD 0.05%). This variant has not been reported in the literature in individuals affected with ARHGEF18-related conditions. ClinVar contains an entry for this variant (Variation ID: 849462). An algorithm developed to predict the effect of missense changes on protein structure and function (PolyPhen-2) suggests that this variant is likely to be disruptive. In summary, the available evidence is currently insufficient to determine the role of this variant in disease. Therefore, it has been classified as a Variant of Uncertain Significance.

NM_001367823.1(ARHGEF18):c.2048G>A (p.Arg683Gln)

Gene: ARHGEF18 (Rho/Rac guanine nucleotide exchange factor 18; plus strand). Cytogenetic location: 19p13.2.
Variant type: single nucleotide variant.
Coding change: c.2048G>A on transcript NM_001367823.1 (MANE Select); coding-DNA position 2048, G replaced by A.
Protein change: p.Arg683Gln; replaces arginine 683 with glutamine.
Molecular consequence: missense variant.
Genome position (GRCh38, 1-based): chr19:7,453,659, G>A. VCF-style: chr19-7453659-G-A. GRCh37 (hg19) VCF-style: chr19-7518545-G-A.
Other names: c.1322G>A, p.Arg441Gln (NM_001130955.2); c.1010G>A, p.Arg337Gln (NM_001367824.1, NM_015318.4); short protein forms R683Q, R337Q, R441Q.
Identifiers: ClinVar variation 849462 (VCV000849462.6), dbSNP rs779040030, ClinGen allele CA9136700.
Genomic context (GRCh38, chr19:7,453,659, plus strand): 5'-TGAAGTCTTCCAGCAAACTCAAGAACGGGCTCACCTTCCGCAAGGAAGACATGCTTCAGC[G>A]GCAGCTCCACCTGGAGGGCATGCTATGCTGGAAGACCACATCAGGGCGCTTGAAAGGTAA-3'
Protein context (NP_001354752.1, residues 673-693): LTFRKEDMLQ[Arg683Gln]QLHLEGMLCW